The following is an entry in ClinVar:

NM_000088.4(COL1A1):c.3854A>G (p.Asp1285Gly)

Gene: COL1A1 (collagen type I alpha 1 chain; minus strand). Cytogenetic location: 17q21.33.
Variant type: single nucleotide variant.
Coding change: c.3854A>G on transcript NM_000088.4 (MANE Select); coding-DNA position 3854, A replaced by G.
Protein change: p.Asp1285Gly; replaces aspartic acid 1285 with glycine.
Molecular consequence: missense variant.
Genome position (GRCh38, 1-based): chr17:50,186,468, T>C on the plus strand (A>G on the coding strand, the complement: COL1A1 is on the minus strand). VCF-style: chr17-50186468-T-C. GRCh37 (hg19) VCF-style: chr17-48263829-T-C.
Other names: short protein forms D1285G.
Identifiers: ClinVar variation 3384396 (VCV003384396.1).

ClinVar aggregate classification (germline): Likely pathogenic (1 of 4 stars; one submission).

Submission:

GeneDx
Classification: Likely pathogenic. Last evaluated: 2024-06-04. Review status: criteria provided, single submitter. Criteria: GeneDx Variant Classification Process June 2021. Collection method: clinical testing. Allele origin: germline. Affected: yes.
Comment: Not observed at significant frequency in large population cohorts (gnomAD); In silico analysis supports that this missense variant has a deleterious effect on protein structure/function; This variant is associated with the following publications: (PMID: 27509835, 36307859)